The following is an entry in ClinVar:

ClinVar aggregate classification (germline): Benign (1 of 4 stars; one submission).

Conditions:
Left-right axis malformations. Identifiers: MedGen C1866091.

Allele frequency attached by ClinVar (database versions not stated): gnomAD exomes 0.00030; 1000 Genomes Project 30x 0.00265; 1000 Genomes Project 0.00280; gnomAD 0.00328 and 0.00351; TOPMed 0.00339.
gnomAD v4.1: 895 of 1,433,410 alleles (0.062%); highest among the groups gnomAD compares: African/African-American, 1.2%; 10 homozygotes.

Submission:

Illumina Laboratory Services, Illumina
Classification: Benign for Left-right axis malformations. Last evaluated: 2018-01-12. Review status: criteria provided, single submitter. Criteria: ICSL Variant Classification Criteria 13 December 2019. Collection method: clinical testing. Allele origin: germline.
Comment: This variant was observed in the ICSL laboratory as part of a predisposition screen in an ostensibly healthy population. It had not been previously curated by ICSL or reported in the Human Gene Mutation Database (HGMD: prior to June 1st, 2018), and was therefore a candidate for classification through an automated scoring system. Utilizing variant allele frequency, disease prevalence and penetrance estimates, and inheritance mode, an automated score was calculated to assess if this variant is too frequent to cause the disease. Based on the score and internal cut-off values, a variant classified as benign is not then subjected to further curation. The score for this variant resulted in a classification of benign for this disease.

NM_003240.5(LEFTY2):c.-62C>T

Gene: LEFTY2 (left-right determination factor 2; minus strand). Cytogenetic location: 1q42.12.
Variant type: single nucleotide variant.
Coding change: c.-62C>T on transcript NM_003240.5 (MANE Select); 62 bases upstream of the start codon, C replaced by T.
Molecular consequence: 5 prime UTR variant.
Genome position (GRCh38, 1-based): chr1:225,941,202, G>A on the plus strand (C>T on the coding strand, the complement: LEFTY2 is on the minus strand). VCF-style: chr1-225941202-G-A. GRCh37 (hg19) VCF-style: chr1-226128902-G-A.
Other names: c.-62C>T (NM_001172425.3).
Identifiers: ClinVar variation 295976 (VCV000295976.5), dbSNP rs559715148, ClinGen allele CA10610166.